The following is an entry in ClinVar:

NM_213622.4(STAMBP):c.585G>C (p.Pro195=)

Gene: STAMBP (STAM binding protein; plus strand). Cytogenetic location: 2p13.1.
Variant type: single nucleotide variant.
Coding change: c.585G>C on transcript NM_213622.4 (MANE Select); coding-DNA position 585, G replaced by C.
Protein change: p.Pro195=; no amino-acid change (proline 195 retained).
Molecular consequence: synonymous variant. On other transcripts: non-coding transcript variant (4).
Genome position (GRCh38, 1-based): chr2:73,847,596, G>C. VCF-style: chr2-73847596-G-C. GRCh37 (hg19) VCF-style: chr2-74074723-G-C.
Other names: c.585G>C, p.Pro195= (NM_001353967.2, NM_001353968.2, NM_001353969.2 and 7 more transcripts); c.180G>C, p.Pro60= (NM_001353971.2, NM_001353972.2, NM_001353973.2 and 3 more transcripts).
Identifiers: ClinVar variation 4822568 (VCV004822568.4).

ClinVar aggregate classification (germline): Likely benign (1 of 4 stars; one submission).

gnomAD v4.1: 5 of 1,614,040 alleles (0.00031%); highest among the groups gnomAD compares: African/African-American, 0.0027%; no homozygotes.

Submission:

CeGaT Center for Human Genetics Tuebingen
Classification: Likely benign. Last evaluated: 2026-01-01. Review status: criteria provided, single submitter. Criteria: CeGaT Center For Human Genetics Tuebingen Variant Classification Criteria Version 2. Collection method: clinical testing. Allele origin: germline. Affected: yes. Observed: 1 variant allele.
Comment: STAMBP: BP4, BP7